The following is an entry in ClinVar:

NM_020436.5(SALL4):c.349G>A (p.Gly117Arg)

Gene: SALL4 (spalt like transcription factor 4; minus strand). Cytogenetic location: 20q13.2.
Variant type: single nucleotide variant.
Coding change: c.349G>A on transcript NM_020436.5 (MANE Select); coding-DNA position 349, G replaced by A.
Protein change: p.Gly117Arg; replaces glycine 117 with arginine.
Molecular consequence: missense variant.
Genome position (GRCh38, 1-based): chr20:51,792,134, C>T on the plus strand (G>A on the coding strand, the complement: SALL4 is on the minus strand). VCF-style: chr20-51792134-C-T. GRCh37 (hg19) VCF-style: chr20-50408673-C-T.
Other names: p.Gly117Arg; c.349G>A (LRG_675t1); c.349G>A, p.Gly117Arg (NM_001318031.2); short protein forms G117R.
Identifiers: ClinVar variation 338783 (VCV000338783.13), dbSNP rs77538589, ClinGen allele CA9912479.

ClinVar aggregate classification (germline): Benign. Review status: criteria provided, multiple submitters, no conflicts (2 of 4 stars). 2 submissions from 2 submitters: Benign (2). Last evaluated 2026-01-11.

Conditions:
Duane-radial ray syndrome (DRRS). Also called: DR SYNDROME; DUANE ANOMALY WITH RADIAL RAY ABNORMALITIES AND DEAFNESS; Duane-Radial Ray Syndrome/Okihiro Syndrome; Duane-Radial Ray Syndrome (DRRS) / Okihiro Syndrome; ACRORENOOCULAR SYNDROME; Okihiro Syndrome. Identifiers: Orphanet 93293, Orphanet 959, MedGen C1623209, MONDO:0011812, OMIM 607323. Disease mechanism: gain of function.

Allele frequency attached by ClinVar (database versions not stated): gnomAD exomes 0.00175 and 0.00091; 1000 Genomes Project 30x 0.00422; 1000 Genomes Project 0.00519; ESP Exome Variant Server 0.00062; gnomAD 0.00073 and 0.00111; TOPMed 0.00120; ExAC 0.00173.
gnomAD v4.1: 1,485 of 1,614,186 alleles (0.092%); highest among the groups gnomAD compares: East Asian, 2.6%; 23 homozygotes.

Submissions (2):

Labcorp Genetics (formerly Invitae), Labcorp
Classification: Benign for Duane-radial ray syndrome. Last evaluated: 2026-01-11. Review status: criteria provided, single submitter. Criteria: Invitae Variant Classification Sherloc (09022015). Collection method: clinical testing. Allele origin: germline.

Mayo Clinic Laboratories, Mayo Clinic
Classification: Benign. Last evaluated: 2025-07-16. Review status: criteria provided, single submitter. Criteria: ACMG Guidelines, 2015. Collection method: clinical testing. Allele origin: germline. Observed: 1 variant allele.
Comment: BA1, BP1

Literature cited by the submitters: PubMed 28849223 (cited by Mayo Clinic Laboratories, Mayo Clinic).